The following is an entry in ClinVar:

NM_007194.4(CHEK2):c.1135T>G (p.Ser379Ala)

Gene: CHEK2 (checkpoint kinase 2; minus strand). Cytogenetic location: 22q12.1.
Variant type: single nucleotide variant.
Coding change: c.1135T>G on transcript NM_007194.4 (MANE Select); coding-DNA position 1135, T replaced by G.
Protein change: p.Ser379Ala; replaces serine 379 with alanine.
Molecular consequence: missense variant.
Genome position (GRCh38, 1-based): chr22:28,695,834, A>C on the plus strand (T>G on the coding strand, the complement: CHEK2 is on the minus strand). VCF-style: chr22-28695834-A-C. GRCh37 (hg19) VCF-style: chr22-29091822-A-C.
Other names: c.1264T>G, p.Ser422Ala (NM_001005735.3); c.472T>G, p.Ser158Ala (NM_001257387.3); c.934T>G, p.Ser312Ala (NM_001349956.3); c.1048T>G, p.Ser350Ala (NM_145862.3); short protein forms S312A, S158A, S379A, S350A, S422A.
Identifiers: ClinVar variation 849904 (VCV000849904.11), dbSNP rs2052562867, ClinGen allele CA411096975.

ClinVar aggregate classification (germline): Uncertain significance (1 of 4 stars; one submission).

Conditions:
Familial cancer of breast. Also called: BREAST CANCER, FAMILIAL; Hereditary breast cancer; hereditary breast carcinoma. Identifiers: Orphanet 227535, MedGen C0346153, MONDO:0016419, OMIM 114480. Disease mechanism: loss of function.

Submission:

Labcorp Genetics (formerly Invitae), Labcorp
Classification: Uncertain significance for Familial cancer of breast. Last evaluated: 2019-12-17. Review status: criteria provided, single submitter. Criteria: Invitae Variant Classification Sherloc (09022015). Collection method: clinical testing. Allele origin: germline.
Comment: In summary, the available evidence is currently insufficient to determine the role of this variant in disease. Therefore, it has been classified as a Variant of Uncertain Significance. This variant has been reported to affect CHEK2 protein function (PMID: 20713355, 18644861). This variant has not been reported in the literature in individuals with CHEK2-related conditions. This variant is not present in population databases (ExAC no frequency). This sequence change replaces serine with alanine at codon 379 of the CHEK2 protein (p.Ser379Ala). The serine residue is highly conserved and there is a moderate physicochemical difference between serine and alanine.

Literature cited by the submitters: PubMed 20713355; PubMed 18644861.